The following is an entry in ClinVar:

ClinVar aggregate classification (germline): Uncertain significance (1 of 4 stars; one submission).

gnomAD v4.1: 6 of 1,614,042 alleles (0.00037%); highest among the groups gnomAD compares: Non-Finnish European, 0.00051%; no homozygotes.

Submission:

Women's Health and Genetics/Laboratory Corporation of America, LabCorp
Classification: Uncertain significance. Last evaluated: 2025-04-15. Review status: criteria provided, single submitter. Criteria: LabCorp Variant Classification Summary - May 2015. Collection method: clinical testing. Allele origin: germline.
Comment: Variant summary: SBDS c.250T>C (p.Cys84Arg) results in a non-conservative amino acid change located in the Shwachman-Bodian-Diamond syndrome (SBDS) N-terminal domain (IPR019783) of the encoded protein sequence. Five of five in-silico tools predict a damaging effect of the variant on protein function. The variant was absent in 251470 control chromosomes. The available data on variant occurrences in the general population are insufficient to allow any conclusion about variant significance. c.250T>C has been observed in a compound heterozygous individual affected with Shwachman-Diamond Syndrome 1 (Kuijpers_2005). These data do not allow any conclusion about variant significance. To our knowledge, no experimental evidence demonstrating an impact on protein function has been reported. The following publication have been ascertained in the context of this evaluation (PMID: 15769891). No submitters have cited clinical-significance assessments for this variant to ClinVar. Based on the evidence outlined above, the variant was classified as uncertain significance.

Literature cited by the submitters: PubMed 15769891.

NM_016038.4(SBDS):c.250T>C (p.Cys84Arg)

Gene: SBDS (SBDS ribosome maturation factor; minus strand). Cytogenetic location: 7q11.21.
Variant type: single nucleotide variant.
Coding change: c.250T>C on transcript NM_016038.4 (MANE Select); coding-DNA position 250, T replaced by C.
Protein change: p.Cys84Arg; replaces cysteine 84 with arginine.
Molecular consequence: missense variant.
Genome position (GRCh38, 1-based): chr7:66,994,220, A>G on the plus strand (T>C on the coding strand, the complement: SBDS is on the minus strand). VCF-style: chr7-66994220-A-G. GRCh37 (hg19) VCF-style: chr7-66459207-A-G.
Other names: short protein forms C84R.
Identifiers: ClinVar variation 3896251 (VCV003896251.2).